The following is an entry in ClinVar:

NM_015338.6(ASXL1):c.1789A>T (p.Ile597Phe)

Gene: ASXL1 (ASXL transcriptional regulator 1; plus strand). Cytogenetic location: 20q11.21.
Variant type: single nucleotide variant.
Coding change: c.1789A>T on transcript NM_015338.6 (MANE Select); coding-DNA position 1789, A replaced by T.
Protein change: p.Ile597Phe; replaces isoleucine 597 with phenylalanine.
Molecular consequence: missense variant.
Genome position (GRCh38, 1-based): chr20:32,434,501, A>T. VCF-style: chr20-32434501-A-T. GRCh37 (hg19) VCF-style: chr20-31022304-A-T.
Other names: c.1606A>T, p.Ile536Phe (NM_001363734.1); short protein forms I597F, I536F.
Identifiers: ClinVar variation 5030301 (VCV005030301.1).
Genomic context (GRCh38, chr20:32,434,501, plus strand): 5'-TCACGTATCAAACCACCCTGGGTGGTTAAAGGTCAGCCCACTTACCAGATATGCCCCCGG[A>T]TCATCCCCACCACGGAGTCCTCCTGCCGGGGTTGGACTGGCGCCAGGACCCTCGCAGACA-3'
Protein context (NP_056153.2, residues 587-607): GQPTYQICPR[Ile597Phe]IPTTESSCRG

ClinVar aggregate classification (germline): Uncertain significance (1 of 4 stars; one submission).

Conditions:
Inborn genetic diseases. Identifiers: MedGen C0950123, MeSH D030342.

Submission:

Ambry Genetics
Classification: Uncertain significance for Inborn genetic diseases. Last evaluated: 2026-08-16. Review status: criteria provided, single submitter. Criteria: Ambry Variant Classification Scheme 2023. Collection method: clinical testing. Allele origin: germline.
Comment: The p.I597F variant (also known as c.1789A>T), located in coding exon 13 of the ASXL1 gene, results from an A to T substitution at nucleotide position 1789. The isoleucine at codon 597 is replaced by phenylalanine, an amino acid with highly similar properties. This amino acid position is conserved. In addition, the in silico prediction for this alteration is inconclusive. Based on the available evidence, the clinical significance of this variant remains unclear.